The following is an entry in ClinVar:

NM_001083116.3(PRF1):c.403G>A (p.Val135Met)

Gene: PRF1 (perforin 1; minus strand). Cytogenetic location: 10q22.1.
Variant type: single nucleotide variant.
Coding change: c.403G>A on transcript NM_001083116.3 (MANE Select); coding-DNA position 403, G replaced by A.
Protein change: p.Val135Met; replaces valine 135 with methionine.
Molecular consequence: missense variant.
Genome position (GRCh38, 1-based): chr10:70,600,500, C>T on the plus strand (G>A on the coding strand, the complement: PRF1 is on the minus strand). VCF-style: chr10-70600500-C-T. GRCh37 (hg19) VCF-style: chr10-72360256-C-T.
Other names: p.Val135Met; c.403G>A, p.Val135Met (NM_005041.6); short protein forms V135M.
Identifiers: ClinVar variation 536229 (VCV000536229.24), dbSNP rs12263572, ClinGen allele CA5539042.
Genomic context (GRCh38, chr10:70,600,500, plus strand): 5'-CTGCCTGTGAGTGTGAGCCGGCCACAGACACATGCACATTGCTGGTGGGCTTAGGAGTCA[C>T]GTCCAGCCCGACCTTCCAGTCGTTGCGGATGCTACGAGCCGCATCCCGGGCCACAGCTTC-3'
Protein context (NP_001076585.1, residues 125-145): IRNDWKVGLD[Val135Met]TPKPTSNVHV

ClinVar aggregate classification (germline): Benign/Likely benign. Review status: criteria provided, multiple submitters, no conflicts (2 of 4 stars). 6 submissions from 6 submitters: Benign (3); Likely benign (3). Last evaluated 2026-02-01.

Conditions:
Familial hemophagocytic lymphohistiocytosis 2 (FHL2). Also called: PRF1-Related Familial Hemophagocytic Lymphohistiocytosis (PRF1-fHLH). Identifiers: Orphanet 540, MedGen C1863727, MONDO:0011337, OMIM 603553.
Autoinflammatory syndrome. Identifiers: Orphanet 93665, MedGen C3890737, MONDO:0019751.

Allele frequency attached by ClinVar (database versions not stated): 1000 Genomes Project 30x 0.00219; 1000 Genomes Project 0.00220; ESP Exome Variant Server 0.00284; gnomAD 0.00293; TOPMed 0.00335.
gnomAD v4.1: 848 of 1,614,186 alleles (0.053%); highest among the groups gnomAD compares: African/African-American, 0.92%; 4 homozygotes.

Submissions (6):

Labcorp Genetics (formerly Invitae), Labcorp
Classification: Benign for Familial hemophagocytic lymphohistiocytosis 2. Last evaluated: 2026-02-01. Review status: criteria provided, single submitter. Criteria: Invitae Variant Classification Sherloc (09022015). Collection method: clinical testing. Allele origin: germline.

CeGaT Center for Human Genetics Tuebingen
Classification: Likely benign. Last evaluated: 2025-11-01. Review status: criteria provided, single submitter. Criteria: CeGaT Center For Human Genetics Tuebingen Variant Classification Criteria Version 2. Collection method: clinical testing. Allele origin: germline. Affected: yes. Observed: 1 variant allele.
Comment: PRF1: BS2

Blueprint Genetics
Classification: Likely benign. Last evaluated: 2024-11-25. Review status: criteria provided, single submitter. Criteria: ACMG Guidelines, 2015. Collection method: clinical testing. Allele origin: germline.

Mayo Clinic Laboratories, Mayo Clinic
Classification: Benign. Last evaluated: 2024-06-07. Review status: criteria provided, single submitter. Criteria: ACMG Guidelines, 2015. Collection method: clinical testing. Allele origin: germline. Observed: 5 variant alleles.
Comment: BS1, BS2

Genome Diagnostics Laboratory, The Hospital for Sick Children
Classification: Likely benign for Autoinflammatory syndrome. Last evaluated: 2022-02-23. Review status: criteria provided, single submitter. Criteria: ACMG Guidelines, 2015. Collection method: clinical testing. Allele origin: germline. Affected: yes.

Breakthrough Genomics
Classification: Benign. Review status: criteria provided, single submitter. Criteria: ACMG Guidelines, 2015. Collection method: not provided. Allele origin: germline. Inheritance: Autosomal recessive inheritance. Affected: yes.